The following is an entry in ClinVar:

NM_004370.6(COL12A1):c.9016dup (p.Gln3006fs)

Gene: COL12A1 (collagen type XII alpha 1 chain; minus strand). Cytogenetic location: 6q13.
Variant type: Duplication.
Coding change: c.9016dup on transcript NM_004370.6 (MANE Select); coding-DNA position 9016, one base duplicated (C; older notation c.9016dupC).
Protein change: p.Gln3006fs; shifts the reading frame from glutamine 3006.
Molecular consequence: frameshift variant.
Genome position (GRCh38, 1-based): chr6:75,087,742, G duplicated on the plus strand (C on the coding strand, the reverse complement: COL12A1 is on the minus strand). VCF-style (leftmost placement, unchanged base first): chr6-75087741-T-TG. GRCh37 (hg19) VCF-style: chr6-75797457-T-TG.
Other names: c.9016dup, p.Gln3006fs (NM_001424113.1); c.8995dup, p.Gln2999fs (NM_001424114.1); c.8743dup, p.Gln2915fs (NM_001424115.1); c.5524dup, p.Gln1842fs (NM_001424116.1, NM_080645.3); short protein forms Q1842fs, Q2915fs, Q2999fs, Q3006fs.
Identifiers: ClinVar variation 4787200 (VCV004787200.1).

ClinVar aggregate classification (germline): Uncertain significance (1 of 4 stars; one submission).

Conditions:
Ullrich congenital muscular dystrophy 2 (UCMD2). Identifiers: Orphanet 75840, MedGen C4225314, MONDO:0014654, OMIM 616470.
Bethlem myopathy 2 (BTHLM2). Identifiers: Orphanet 536516, Orphanet 610, MedGen C4225313, MONDO:0034022, OMIM 616471.

Submission:

Labcorp Genetics (formerly Invitae), Labcorp
Classification: Uncertain significance for Bethlem myopathy 2; Ullrich congenital muscular dystrophy 2. Last evaluated: 2026-01-13. Review status: criteria provided, single submitter. Criteria: Invitae Variant Classification Sherloc (09022015). Collection method: clinical testing. Allele origin: germline.
Comment: This sequence change creates a premature translational stop signal (p.Gln3006Profs*40) in the COL12A1 gene. While this is not anticipated to result in nonsense mediated decay, it is expected to disrupt the last 58 amino acid(s) of the COL12A1 protein. This variant is not present in population databases (gnomAD no frequency). This variant has not been reported in the literature in individuals affected with COL12A1-related conditions. Experimental studies and prediction algorithms are not available or were not evaluated, and the functional significance of this variant is currently unknown. In summary, the available evidence is currently insufficient to determine the role of this variant in disease. Therefore, it has been classified as a Variant of Uncertain Significance.